The following is an entry in ClinVar:

NM_001854.4(COL11A1):c.1079A>G (p.Tyr360Cys)

Gene: COL11A1 (collagen type XI alpha 1 chain; minus strand). Cytogenetic location: 1p21.1.
Variant type: single nucleotide variant.
Coding change: c.1079A>G on transcript NM_001854.4 (MANE Select); coding-DNA position 1079, A replaced by G.
Protein change: p.Tyr360Cys; replaces tyrosine 360 with cysteine.
Molecular consequence: missense variant. On other transcripts: non-coding transcript variant (1), intron variant (1).
Genome position (GRCh38, 1-based): chr1:103,022,908, T>C on the plus strand (A>G on the coding strand, the complement: COL11A1 is on the minus strand). VCF-style: chr1-103022908-T-C. GRCh37 (hg19) VCF-style: chr1-103488464-T-C.
Other names: c.962A>G, p.Tyr321Cys (NM_001190709.2); c.1115A>G, p.Tyr372Cys (NM_080629.3); c.898-1139A>G (NM_080630.4); short protein forms Y360C, Y321C, Y372C.
Identifiers: ClinVar variation 4991826 (VCV004991826.1).
Genomic context (GRCh38, chr1:103,022,908, plus strand): 5'-TCGCCTAAATCTCCATCTACCAGAAGATCAGAATCCCTGCCGTCTATTTCTTTGTTTTCA[T>C]ATAGTGTATCCTCAGAATTTTTCCTCTGGGAATCATAATCCTCTCCCGTTAGATATTCTT-3'
Protein context (NP_001845.3, residues 350-370): SQRKNSEDTL[Tyr360Cys]ENKEIDGRDS

ClinVar aggregate classification (germline): Uncertain significance (1 of 4 stars; one submission).

Conditions:
COL11A1-related disorder. Also called: COL11A1-related condition; COL11A1-related disorders.

gnomAD v4.1: 4 of 1,613,766 alleles (0.00025%); highest among the groups gnomAD compares: African/African-American, 0.0027%; no homozygotes.

Submission:

PreventionGenetics, part of Exact Sciences
Classification: Uncertain significance for COL11A1-related condition. Last evaluated: 2026-01-23. Review status: criteria provided, single submitter. Criteria: ACMG Guidelines, 2015. Collection method: clinical testing. Allele origin: germline.
Comment: The COL11A1 c.1079A>G variant is predicted to result in the amino acid substitution p.Tyr360Cys. To our knowledge, this variant has not been reported in the literature. This variant is reported in 0.0080% of alleles in individuals of African descent in gnomAD. At this time, the clinical significance of this variant is uncertain due to the absence of conclusive functional and genetic evidence.